The following is an entry in ClinVar:

NM_002529.4(NTRK1):c.1390A>T (p.Met464Leu)

Gene: NTRK1 (neurotrophic receptor tyrosine kinase 1; plus strand). Cytogenetic location: 1q23.1.
Variant type: single nucleotide variant.
Coding change: c.1390A>T on transcript NM_002529.4 (MANE Select); coding-DNA position 1390, A replaced by T.
Protein change: p.Met464Leu; replaces methionine 464 with leucine.
Molecular consequence: missense variant.
Genome position (GRCh38, 1-based): chr1:156,875,555, A>T. VCF-style: chr1-156875555-A-T. GRCh37 (hg19) VCF-style: chr1-156845347-A-T.
Other names: c.1282A>T, p.Met428Leu (NM_001007792.1); c.1372A>T, p.Met458Leu (NM_001012331.2); short protein forms M464L, M458L, M428L.
Identifiers: ClinVar variation 566987 (VCV000566987.8), dbSNP rs765177801, ClinGen allele CA342937298.
Genomic context (GRCh38, chr1:156,875,555, plus strand): 5'-CCATGCGGCTGTGTCTCCTCTCTAGGCCCGGCTGTGCTGGCTCCAGAGGATGGGCTGGCC[A>T]TGTCCCTGCATTTCATGACATTGGGTGGCAGCTCCCTGTCCCCCACCGAGGGCAAAGGCT-3'
Protein context (NP_002520.2, residues 454-474): AVLAPEDGLA[Met464Leu]SLHFMTLGGS

ClinVar aggregate classification (germline): Uncertain significance (1 of 4 stars; one submission).

Conditions:
Hereditary insensitivity to pain with anhidrosis (CIPA). Also called: INSENSITIVITY TO PAIN, CONGENITAL, WITH ANHIDROSIS; FAMILIAL DYSAUTONOMIA, TYPE II; NEUROPATHY, CONGENITAL SENSORY, WITH ANHIDROSIS; HSAN Type IV; hereditary sensory and autonomic neuropathy type 4; NTRK1 Congenital Insensitivity to Pain with Anhidrosis. Identifiers: Orphanet 642, MedGen C0020074, MONDO:0009746, OMIM 256800.

Submission:

Labcorp Genetics (formerly Invitae), Labcorp
Classification: Uncertain significance for Hereditary insensitivity to pain with anhidrosis. Last evaluated: 2024-02-17. Review status: criteria provided, single submitter. Criteria: Invitae Variant Classification Sherloc (09022015). Collection method: clinical testing. Allele origin: germline.
Comment: This sequence change replaces methionine, which is neutral and non-polar, with leucine, which is neutral and non-polar, at codon 458 of the NTRK1 protein (p.Met458Leu). This variant is not present in population databases (gnomAD no frequency). This variant has not been reported in the literature in individuals affected with NTRK1-related conditions. ClinVar contains an entry for this variant (Variation ID: 566987). Advanced modeling of protein sequence and biophysical properties (such as structural, functional, and spatial information, amino acid conservation, physicochemical variation, residue mobility, and thermodynamic stability) performed at Invitae indicates that this missense variant is not expected to disrupt NTRK1 protein function with a negative predictive value of 80%. In summary, the available evidence is currently insufficient to determine the role of this variant in disease. Therefore, it has been classified as a Variant of Uncertain Significance.